The following is an entry in ClinVar:

ClinVar aggregate classification (germline): Likely pathogenic (1 of 4 stars; one submission).

Conditions:
Loeys-Dietz syndrome 4 (LDS4). Also called: TGFB2-Related Loeys-Dietz Syndrome; ANEURYSM, AORTIC AND CEREBRAL, WITH ARTERIAL TORTUOSITY AND SKELETAL MANIFESTATIONS. Identifiers: MedGen C3553762, MONDO:0013897, OMIM 614816.

Submission:

Labcorp Genetics (formerly Invitae), Labcorp
Classification: Likely pathogenic for Loeys-Dietz syndrome 4. Last evaluated: 2025-11-02. Review status: criteria provided, single submitter. Criteria: Invitae Variant Classification Sherloc (09022015). Collection method: clinical testing. Allele origin: germline.
Comment: This sequence change affects an acceptor splice site in intron 3 of the TGFB2 gene. It is expected to disrupt RNA splicing. Variants that disrupt the donor or acceptor splice site typically lead to a loss of protein function (PMID: 16199547), and loss-of-function variants in TGFB2 are known to be pathogenic (PMID: 22772368, 22772371, 30739908). This variant is not present in population databases (gnomAD no frequency). This variant has not been reported in the literature in individuals affected with TGFB2-related conditions. Algorithms developed to predict the effect of sequence changes on RNA splicing suggest that this variant may disrupt the consensus splice site. In summary, the currently available evidence indicates that the variant is pathogenic, but additional data are needed to prove that conclusively. Therefore, this variant has been classified as Likely Pathogenic.

Literature cited by the submitters: PubMed 16199547; PubMed 22772368; PubMed 22772371; PubMed 30739908.

NM_003238.6(TGFB2):c.644-1G>C

Gene: TGFB2 (transforming growth factor beta 2; plus strand). Cytogenetic location: 1q41.
Variant type: single nucleotide variant.
Coding change: c.644-1G>C on transcript NM_003238.6 (MANE Select); the canonical splice acceptor site of the intron before coding-DNA position 644, G replaced by C.
Molecular consequence: splice acceptor variant.
Genome position (GRCh38, 1-based): chr1:218,434,337, G>C. VCF-style: chr1-218434337-G-C. GRCh37 (hg19) VCF-style: chr1-218607679-G-C.
Other names: c.728-1G>C (NM_001135599.4).
Identifiers: ClinVar variation 4721672 (VCV004721672.1).